The following is an entry in ClinVar:

ClinVar aggregate classification (germline): Uncertain significance (1 of 4 stars; one submission).

Conditions:
Deficiency of aromatic-L-amino-acid decarboxylase. Also called: Aromatic L-Amino Acid Decarboxylase Deficiency; Aromatic amino acid decarboxylase deficiency; AADC DEFICIENCY; DDC DEFICIENCY; DOPA DECARBOXYLASE DEFICIENCY. Identifiers: Orphanet 35708, MedGen C1291564, MONDO:0012084, OMIM 608643.

Submission:

Labcorp Genetics (formerly Invitae), Labcorp
Classification: Uncertain significance for Deficiency of aromatic-L-amino-acid decarboxylase. Last evaluated: 2023-08-10. Review status: criteria provided, single submitter. Criteria: Invitae Variant Classification Sherloc (09022015). Collection method: clinical testing. Allele origin: germline.
Comment: Advanced modeling of protein sequence and biophysical properties (such as structural, functional, and spatial information, amino acid conservation, physicochemical variation, residue mobility, and thermodynamic stability) performed at Invitae indicates that this missense variant is expected to disrupt DDC protein function. In summary, the available evidence is currently insufficient to determine the role of this variant in disease. Therefore, it has been classified as a Variant of Uncertain Significance. ClinVar contains an entry for this variant (Variation ID: 1499639). This variant has not been reported in the literature in individuals affected with DDC-related conditions. This variant is not present in population databases (gnomAD no frequency). This sequence change replaces glycine, which is neutral and non-polar, with glutamic acid, which is acidic and polar, at codon 140 of the DDC protein (p.Gly140Glu).

NM_001082971.2(DDC):c.419G>A (p.Gly140Glu)

Genes: DDC (dopa decarboxylase; minus strand), DDC-AS1 (DDC antisense RNA 1; plus strand). Cytogenetic location: 7p12.1.
Variant type: single nucleotide variant.
Coding change: c.419G>A on transcript NM_001082971.2 (MANE Select); coding-DNA position 419, G replaced by A.
Protein change: p.Gly140Glu; replaces glycine 140 with glutamic acid.
Molecular consequence: missense variant. On other transcripts: intron variant (1).
Genome position (GRCh38, 1-based): chr7:50,537,876, C>T on the plus strand (G>A on the coding strand, the complement: DDC is on the minus strand). VCF-style: chr7-50537876-C-T. GRCh37 (hg19) VCF-style: chr7-50605574-C-T.
Other names: c.419G>A, p.Gly140Glu (NM_000790.4, NM_001242887.2, NM_001242889.2 and 1 more transcripts); c.305G>A, p.Gly102Glu (NM_001242886.2); c.201+6009G>A (NM_001242888.2); short protein forms G102E, G140E.
Identifiers: ClinVar variation 1499639 (VCV001499639.8), dbSNP rs866336739, ClinGen allele CA158233858.